The following is an entry in ClinVar:

NM_001267550.2(TTN):c.44281+1del

Gene: TTN (titin; minus strand). Cytogenetic location: 2q31.2.
Variant type: Deletion.
Coding change: c.44281+1del on transcript NM_001267550.2 (MANE Select); the canonical splice donor site of the intron after coding-DNA position 44281, one base deleted (G; older notation c.44281+1delG).
Molecular consequence: splice donor variant.
Genome position (GRCh38, 1-based): chr2:178,630,240, C deleted on the plus strand (G on the coding strand, the reverse complement: TTN is on the minus strand). VCF-style (leftmost placement, unchanged base first): chr2-178630239-AC-A. GRCh37 (hg19) VCF-style: chr2-179494966-AC-A.
Other names: c.17086+1del (NM_003319.4); c.17662+1del (NM_133437.4); c.17461+1del (NM_133432.3); c.36577+1del (NM_133378.4); c.39358+1del (NM_001256850.1).
Identifiers: ClinVar variation 2944285 (VCV002944285.3), dbSNP rs2471375122, ClinGen allele CA2740095925.

ClinVar aggregate classification (germline): Likely pathogenic (1 of 4 stars; one submission).

Conditions:
Dilated cardiomyopathy 1G (CMD1G). Identifiers: Orphanet 154, MedGen C1858763, MONDO:0011400, OMIM 604145.
Autosomal recessive limb-girdle muscular dystrophy type 2J (LGMDR10). Also called: MUSCULAR DYSTROPHY, LIMB-GIRDLE, AUTOSOMAL RECESSIVE 10; Limb-girdle muscular dystrophy, type 2J. Identifiers: Orphanet 140922, MedGen C1837342, MONDO:0012127, OMIM 608807.

Submission:

Labcorp Genetics (formerly Invitae), Labcorp
Classification: Likely pathogenic for Dilated cardiomyopathy 1G; Autosomal recessive limb-girdle muscular dystrophy type 2J. Last evaluated: 2025-03-30. Review status: criteria provided, single submitter. Criteria: Invitae Variant Classification Sherloc (09022015). Collection method: clinical testing. Allele origin: germline.
Comment: This sequence change affects a splice site in intron 239 of the TTN gene. It is expected to disrupt RNA splicing and likely results in a truncated or disrupted TTN protein. This variant is not present in population databases (gnomAD no frequency). This variant has not been reported in the literature in individuals affected with TTN-related conditions. ClinVar contains an entry for this variant (Variation ID: 2944285). Algorithms developed to predict the effect of sequence changes on RNA splicing suggest that this variant may disrupt the consensus splice site. This variant is located in the I band of TTN (PMID: 25589632). Truncating variants in this region have been reported in individuals affected with autosomal recessive centronuclear myopathy (PMID: 23975875, internal data). Truncating variants in this region have also been identified in individuals affected with autosomal dominant dilated cardiomyopathy and/or cardio-related conditions (PMID: 27869827, 32964742, internal data). In summary, the currently available evidence indicates that the variant is pathogenic, but additional data are needed to prove that conclusively. Therefore, this variant has been classified as Likely Pathogenic.

Literature cited by the submitters: PubMed 25589632; PubMed 23975875; PubMed 27869827; PubMed 32964742.